The following is an entry in ClinVar:

NM_018105.3(THAP1):c.489C>G (p.Leu163=)

Gene: THAP1 (THAP domain containing 1; minus strand). Cytogenetic location: 8p11.21.
Variant type: single nucleotide variant.
Coding change: c.489C>G on transcript NM_018105.3 (MANE Select); coding-DNA position 489, C replaced by G.
Protein change: p.Leu163=; no amino-acid change (leucine 163 retained).
Molecular consequence: synonymous variant. On other transcripts: 3 prime UTR variant (1).
Genome position (GRCh38, 1-based): chr8:42,838,115, G>C on the plus strand (C>G on the coding strand, the complement: THAP1 is on the minus strand). VCF-style: chr8-42838115-G-C. GRCh37 (hg19) VCF-style: chr8-42693258-G-C.
Other names: c.*131C>G (NM_199003.2).
Identifiers: ClinVar variation 363125 (VCV000363125.13), dbSNP rs150542583, ClinGen allele CA4734535.

ClinVar aggregate classification (germline): Benign/Likely benign. Review status: criteria provided, multiple submitters, no conflicts (2 of 4 stars). 5 submissions from 5 submitters: Benign (3); Likely benign (2). Last evaluated 2025-08-30.

Conditions:
Torsion dystonia 6 (DYT6). Also called: DYT-THAP1. Identifiers: Orphanet 98806, MedGen C1414216, MONDO:0011264, OMIM 602629.

Allele frequency attached by ClinVar (database versions not stated): gnomAD 0.00010 and 0.00013; TOPMed 0.00015; ExAC 0.00028; gnomAD exomes 0.00036; 1000 Genomes Project 0.00140; 1000 Genomes Project 30x 0.00141.
gnomAD v4.1: 151 of 1,614,216 alleles (0.0094%); highest among the groups gnomAD compares: East Asian, 0.23%; 1 homozygote.

Submissions (5):

Labcorp Genetics (formerly Invitae), Labcorp
Classification: Benign for Torsion dystonia 6. Last evaluated: 2025-08-30. Review status: criteria provided, single submitter. Criteria: Invitae Variant Classification Sherloc (09022015). Collection method: clinical testing. Allele origin: germline.

GeneDx
Classification: Benign. Last evaluated: 2020-11-11. Review status: criteria provided, single submitter. Criteria: GeneDx Variant Classification Process June 2021. Collection method: clinical testing. Allele origin: germline. Affected: yes.
Comment: This variant is associated with the following publications: (PMID: 22377579, 20687191, 21839475)

Athena Diagnostics
Classification: Benign. Last evaluated: 2020-03-12. Review status: criteria provided, single submitter. Criteria: Athena Diagnostics Criteria. Collection method: clinical testing. Allele origin: unknown.

Illumina Laboratory Services, Illumina
Classification: Likely benign for Torsion dystonia 6. Last evaluated: 2017-04-27. Review status: criteria provided, single submitter. Criteria: ICSL Variant Classification Criteria 13 December 2019. Collection method: clinical testing. Allele origin: germline.
Comment: This variant was observed as part of a predisposition screen in an ostensibly healthy population. A literature search was performed for the gene, cDNA change, and amino acid change (where applicable). Publications were found based on this search. The evidence from the literature, in combination with allele frequency data from public databases where available, was sufficient to determine this variant is unlikely to cause disease. Therefore, this variant is classified as likely benign.

Breakthrough Genomics
Classification: Likely benign. Review status: criteria provided, single submitter. Criteria: ACMG Guidelines, 2015. Collection method: not provided. Allele origin: germline. Inheritance: Autosomal dominant inheritance. Affected: yes.

Literature cited by the submitters: PubMed 20687191 (cited by Athena Diagnostics and Illumina Laboratory Services, Illumina); PubMed 21839475 (cited by Athena Diagnostics and Illumina Laboratory Services, Illumina); PubMed 22377579 (cited by Illumina Laboratory Services, Illumina).